The following is an entry in ClinVar:

ClinVar aggregate classification (germline): Uncertain significance (1 of 4 stars; one submission).

Conditions:
Hereditary cancer-predisposing syndrome. Also called: Neoplastic Syndromes, Hereditary; Tumor predisposition; Hereditary neoplastic syndrome; Hereditary Cancer Syndrome. Identifiers: Orphanet 140162, MedGen C0027672, MeSH D009386, MONDO:0015356.

Submission:

Ambry Genetics
Classification: Uncertain significance for Hereditary cancer-predisposing syndrome. Last evaluated: 2026-08-31. Review status: criteria provided, single submitter. Criteria: Ambry Variant Classification Scheme 2023. Collection method: clinical testing. Allele origin: germline.
Comment: The p.N64I variant (also known as c.191A>T), located in coding exon 2 of the RAD50 gene, results from an A to T substitution at nucleotide position 191. The asparagine at codon 64 is replaced by isoleucine, an amino acid with dissimilar properties. This amino acid position is conserved. In addition, this alteration is predicted to be tolerated by in silico analysis. Based on the available evidence, the clinical significance of this variant remains unclear.

NM_005732.4(RAD50):c.191A>T (p.Asn64Ile)

Gene: RAD50 (RAD50 double strand break repair protein; plus strand). Cytogenetic location: 5q31.1.
Variant type: single nucleotide variant.
Coding change: c.191A>T on transcript NM_005732.4 (MANE Select); coding-DNA position 191, A replaced by T.
Protein change: p.Asn64Ile; replaces asparagine 64 with isoleucine.
Molecular consequence: missense variant.
Genome position (GRCh38, 1-based): chr5:132,559,345, A>T. VCF-style: chr5-132559345-A-T. GRCh37 (hg19) VCF-style: chr5-131895037-A-T.
Other names: short protein forms N64I.
Identifiers: ClinVar variation 5027739 (VCV005027739.1).